The following is an entry in ClinVar:

ClinVar aggregate classification (germline): Uncertain significance (1 of 4 stars; one submission).

Conditions:
Hyperphosphatasia with intellectual disability syndrome 5 (GPIBD11). Also called: GLYCOSYLPHOSPHATIDYLINOSITOL BIOSYNTHESIS DEFECT 11. Identifiers: Orphanet 247262, MedGen C4014958, MONDO:0014457, OMIM 616025.

Allele frequency attached by ClinVar (database versions not stated): gnomAD exomes 0.00001.
gnomAD v4.1: 3 of 1,613,818 alleles (0.00019%); highest among the groups gnomAD compares: Non-Finnish European, 0.00025%; no homozygotes.

Submission:

Labcorp Genetics (formerly Invitae), Labcorp
Classification: Uncertain significance for Hyperphosphatasia with intellectual disability syndrome 5. Last evaluated: 2024-01-15. Review status: criteria provided, single submitter. Criteria: Invitae Variant Classification Sherloc (09022015). Collection method: clinical testing. Allele origin: germline.
Comment: This sequence change replaces methionine, which is neutral and non-polar, with valine, which is neutral and non-polar, at codon 484 of the PIGW protein (p.Met484Val). This variant is not present in population databases (gnomAD no frequency). This variant has not been reported in the literature in individuals affected with PIGW-related conditions. ClinVar contains an entry for this variant (Variation ID: 1375686). Advanced modeling of protein sequence and biophysical properties (such as structural, functional, and spatial information, amino acid conservation, physicochemical variation, residue mobility, and thermodynamic stability) has been performed at Invitae for this missense variant, however the output from this modeling did not meet the statistical confidence thresholds required to predict the impact of this variant on PIGW protein function. In summary, the available evidence is currently insufficient to determine the role of this variant in disease. Therefore, it has been classified as a Variant of Uncertain Significance.

NM_001346754.2(PIGW):c.1450A>G (p.Met484Val)

Genes: MYO19 (myosin XIX; minus strand), PIGW (phosphatidylinositol glycan anchor biosynthesis class W; plus strand). Cytogenetic location: 17q12.
Variant type: single nucleotide variant.
Coding change: c.1450A>G on transcript NM_001346754.2 (MANE Select); coding-DNA position 1450, A replaced by G.
Protein change: p.Met484Val; replaces methionine 484 with valine.
Molecular consequence: missense variant.
Genome position (GRCh38, 1-based): chr17:36,538,551, A>G. VCF-style: chr17-36538551-A-G. GRCh37 (hg19) VCF-style: chr17-34894400-A-G.
Other names: c.1450A>G, p.Met484Val (NM_001346755.2, NM_178517.5); short protein forms M484V.
Identifiers: ClinVar variation 1375686 (VCV001375686.8), dbSNP rs1290721958, ClinGen allele CA399165006.